The following is an entry in ClinVar:

ClinVar aggregate classification (germline): Pathogenic/Likely pathogenic. Review status: criteria provided, multiple submitters, no conflicts (2 of 4 stars). 20 submissions from 20 submitters: Pathogenic (15); Likely pathogenic (3). 2 of the submissions do not count toward it. Last evaluated 2026-09-09.

Conditions:
Cardiovascular phenotype. Identifiers: MedGen CN230736.
GLA-related disorder. Also called: GLA-related condition.
Fabry disease. Also called: Ceramide trihexosidosis; GLA DEFICIENCY; HEREDITARY DYSTOPIC LIPIDOSIS; Fabry's disease; ALPHA-GALACTOSIDASE A DEFICIENCY; ANDERSON-FABRY DISEASE. Identifiers: Orphanet 324, MedGen C0002986, MONDO:0010526, OMIM 301500, HP:0001071. Disease mechanism: Fabry disease is due to inactivating mutations in the X-linked GLA gene resulting in deficiency of the enzyme Alpha Galactosidase-A., loss of function.

Allele frequency attached by ClinVar (database versions not stated): gnomAD exomes 0.00002 and 0.00005; ExAC 0.00003; TOPMed 0.00012; gnomAD 0.00013.

Submissions 1 to 8 of 20:

Ambry Genetics
Classification: Likely pathogenic for Cardiovascular phenotype. Last evaluated: 2026-09-09. Review status: criteria provided, single submitter. Criteria: Ambry Variant Classification Scheme 2023. Collection method: clinical testing. Allele origin: germline.
Comment: The c.1088G>A (p.R363H) alteration is located in exon 7 (coding exon 7) of the GLA gene. This alteration results from a G to A substitution at nucleotide position 1088, causing the arginine (R) at amino acid position 363 to be replaced by a histidine (H). Based on data from gnomAD, this allele has an overall frequency of 0.005454% (10/183364) total alleles studied, with 6 hemizygote(s) observed. The highest observed frequency was 0.02621% (5/19078) of South Asian alleles. This variant was identified in one or more individuals with features consistent with Fabry disease, often with late onset and/or a renal presentation (Zenone, 2011; Germain, 2020; Politei, 2021; Harale, 2024; external communication), and segregated with disease in at least one family (Serebrinsky, 2015; Delarosa-Rodr&iacute;guez, 2021). This amino acid position is not well conserved in available vertebrate species. In multiple assays testing GLA function, this variant showed functionally indeterminant results (Wu, 2011; Lukas, 2013). The in silico prediction for this alteration is inconclusive. Based on the available evidence, this alteration is classified as likely pathogenic.

Genomenon, Inc
Classification: Likely pathogenic for Fabry disease. Last evaluated: 2026-09-08. Review status: criteria provided, single submitter. Criteria: Genomenon Sequence Variant Interpretation Standards - Updated. Collection method: curation. Allele origin: germline. Affected: yes.
Comment: GLA p.Arg363His (c.1088G>A) is a missense variant that changes the amino acid at codon 363 from Arginine to Histidine. This variant has been observed in at least one proband with clinical features consistent with Fabry disease (PMID:32161151;20716442;33022387;38248631;33527381;17224688;31996269;31392112;32418857;28360401;37626912;26937405). The variant was found to segregate with disease in at least one affected family (PMID:26937405). Functional or patient cell studies have been reported (PMID:32023956;26937405;21598360;39092329;25409744;33915609). It is absent or not present at a significant frequency in gnomAD. In conclusion, we classify GLA p.Arg363His (c.1088G>A) as a likely pathogenic variant.

Foundation for Research in Genetics and Endocrinology, FRIGE's Institute of Human Genetics
Classification: Pathogenic for Fabry disease. Last evaluated: 2026-04-02. Review status: criteria provided, single submitter. Criteria: ACMG Guidelines, 2015. Collection method: clinical testing. Allele origin: germline. Inheritance: X-linked inheritance. Affected: yes. Observed: 1 variant allele, 1 hemizygote.
Comment: A hemizygous variant in exon 7 of the GLA gene that results in the amino acid substitution of histidine for arginine at codon 363 was detected. This variant has a minor allele frequency of 0.0055% in the gnomAD database. The in-silico prediction of the variant is deleterious by FATHMM. This variant has previously been reported in patients affected with Fabry disease (PMID 11668641). In summary, the variant meets our criteria to be classified as pathogenic.

Labcorp Genetics (formerly Invitae), Labcorp
Classification: Pathogenic for Fabry disease. Last evaluated: 2026-01-14. Review status: criteria provided, single submitter. Criteria: Invitae Variant Classification Sherloc (09022015). Collection method: clinical testing. Allele origin: germline.
Comment: This sequence change replaces arginine, which is basic and polar, with histidine, which is basic and polar, at codon 363 of the GLA protein (p.Arg363His). This variant is present in population databases (rs111422676, gnomAD 0.03%). This missense change has been observed in individual(s) with Fabry disease (PMID: 11668641, 12175777, 26937405, 28302345). ClinVar contains an entry for this variant (Variation ID: 222141). Invitae Evidence Modeling of protein sequence and biophysical properties (such as structural, functional, and spatial information, amino acid conservation, physicochemical variation, residue mobility, and thermodynamic stability) indicates that this missense variant is not expected to disrupt GLA protein function with a negative predictive value of 80%. Experimental studies have shown that this missense change affects GLA function (PMID: 19387866, 21598360). This variant disrupts the p.Arg363 amino acid residue in GLA. Other variant(s) that disrupt this residue have been determined to be pathogenic (PMID: 12175777, 21598360, 25835592, 26937405; internal data). This suggests that this residue is clinically significant, and that variants that disrupt this residue are likely to be disease-causing. For these reasons, this variant has been classified as Pathogenic.

Natera, Inc.
Classification: Pathogenic for Fabry disease. Last evaluated: 2025-11-18. Review status: criteria provided, single submitter. Criteria: Natera Variant Classification Schema (03/2026). Collection method: clinical testing. Allele origin: germline.
Comment: The c.1088G>A variant in GLA is a missense variant predicted to cause substitution of arginine to histidine at amino acid 363. This variant is rare in the general population with a frequency below the threshold expected for the associated phenotype(s). This variant has been observed in at least one unaffected individual, with a zygosity that is consistent with the inheritance pattern for the associated condition (in gnomAD and/or literature). This variant has been observed in affected individual(s) with monoallelic occurrence (heterozygous/hemizygous) (PMID: 11251615, 17224688, 19387866, 25149322, 26937405, 28360401, 28302345, 29143201, 30972193, 31392112, 31996269, 33204599, 34401344). Additionally, this variant has been observed to segregate in affected family members (PMID: 26937405). Functional studies show that this variant may disrupt protein function (PMID: 34401344, 21598360). Multiple computational prediction algorithms suggest this variant is unlikely to affect gene or protein function. Given the available evidence, this variant is classified as Pathogenic.

3billion
Classification: Pathogenic for Fabry disease. Last evaluated: 2025-09-10. Review status: criteria provided, single submitter. Criteria: ACMG Guidelines, 2015. Collection method: clinical testing. Allele origin: germline. Affected: yes.
Comment: The variant is observed in the gnomAD v4.1.0 dataset (total allele frequency: 0.003%). Predicted Consequence/Location: Missense variant Functional studies provide supporting evidence of the variant having a damaging effect on the gene or gene product (PMID: 23935525). The same nucleotide change resulting in the same amino acid change has been previously reported as pathogenic/likely pathogenic with strong evidence (ClinVar ID: VCV000222141 /PMID: None). The variant has been observed in multiple (>3) similarly affected unrelated individuals (PMID: 11668641, 12175777, 21420783, 28302345, 28360401, 30477121, 33163363, 33437642, 34545322, 36624527). The variant has been reported to co-segregate with the disease in at least 3 similarly affected relatives/individuals in the same family or similarly affected unrelated families (PMID: 26937405). Different missense changes at the same codon (p.Arg363Cys, p.Arg363Pro) have been reported as pathogenic/likely pathogenic with strong evidence (ClinVar ID: VCV000198401 /PMID: 12175777, 25835592). Therefore, this variant is classified as Pathogenic according to the recommendation of ACMG/AMP guideline.

Revvity Omics, Revvity
Classification: Pathogenic. Last evaluated: 2025-07-16. Review status: criteria provided, single submitter. Criteria: ACMG Guidelines, 2015. Collection method: clinical testing. Allele origin: germline.

All of Us Research Program, National Institutes of Health
Classification: Pathogenic for Fabry disease. Last evaluated: 2024-09-23. Review status: criteria provided, single submitter. Criteria: ACMG Guidelines, 2015. Collection method: clinical testing. Allele origin: germline. Inheritance: X-linked inheritance. Observed: 3 variant alleles, 2 heterozygotes, 1 hemizygote.
Comment: The c.1088G>A (p.Arg363His) variant in the GLA gene is located in the exon 7 of the GLA gene and is predicted to replace arginine with histidine at codon 363 of the GLA protein. This variant has been identified in many individuals with Fabry disease (PMID: 30477121, 21420783, 11668641, 12175777, 28360401, 28302345, 36624527, 34545322, 33437642, 33163363), and reported as segregated with disease in three affected relatives from one family (PMID: 26937405). This variant has been reported to be associated with a later-onset and milder course of disease in males (PMID 26937405, 32161151, 32418857). Biochemical testing in patient lymphoblasts showed reduced enzyme activity of 12% to 24% of normal activity (PMID: 19387866, 21598360, respectively). This variant is rare in the general population according to gnomAD v4.0.0 (0.002%). A different variant affecting the same amino acid residue Arg363 (c.1087C>T, p.Arg363Cys) has been determined to be pathogenic in ClinVar according to ACMG guidelines. Therefore, the c.1088G>A (p.Arg363His) variant in the GLA gene has been classified as pathogenic.

This study involves interpretation of variants in research participants for the purpose of population health screening. Participant phenotype was not available at the time of variant classification. Additional details can be found in publication PMID: 35346344, PMCID: PMC8962531

NM_000169.3(GLA):c.1088G>A (p.Arg363His)

Genes: GLA (galactosidase alpha; minus strand), RPL36A-HNRNPH2 (RPL36A-HNRNPH2 readthrough; plus strand). Cytogenetic location: Xq22.1.
Variant type: single nucleotide variant.
Coding change: c.1088G>A on transcript NM_000169.3 (MANE Select); coding-DNA position 1088, G replaced by A.
Protein change: p.Arg363His; replaces arginine 363 with histidine.
Molecular consequence: missense variant. On other transcripts: non-coding transcript variant (3), intron variant (2).
Genome position (GRCh38, 1-based): chrX:101,398,011, C>T on the plus strand (G>A on the coding strand, the complement: GLA is on the minus strand). VCF-style: chrX-101398011-C-T. GRCh37 (hg19) VCF-style: chrX-100652999-C-T.
Other names: c.1088G>A (NM_000169.2); c.1211G>A, p.Arg404His (NM_001406747.1); c.300+2554C>T (NM_001199973.2); c.177+6189C>T (NM_001199974.2); short protein forms R363H, R404H.
Identifiers: ClinVar variation 222141 (VCV000222141.46), dbSNP rs111422676, ClinGen allele CA029545.